The following is an entry in ClinVar:

NM_006949.4(STXBP2):c.1203C>T (p.Tyr401=)

Gene: STXBP2 (syntaxin binding protein 2; plus strand). Cytogenetic location: 19p13.2.
Variant type: single nucleotide variant.
Coding change: c.1203C>T on transcript NM_006949.4 (MANE Select); coding-DNA position 1203, C replaced by T.
Protein change: p.Tyr401=; no amino-acid change (tyrosine 401 retained).
Molecular consequence: synonymous variant. On other transcripts: non-coding transcript variant (1).
Genome position (GRCh38, 1-based): chr19:7,644,709, C>T. VCF-style: chr19-7644709-C-T. GRCh37 (hg19) VCF-style: chr19-7709595-C-T.
Other names: c.1194C>T, p.Tyr398= (NM_001127396.3); c.1236C>T, p.Tyr412= (NM_001272034.2).
Identifiers: ClinVar variation 749503 (VCV000749503.14), dbSNP rs373267410, ClinGen allele CA9144026.

ClinVar aggregate classification (germline): Likely benign. Review status: criteria provided, multiple submitters, no conflicts (2 of 4 stars). 3 submissions from 3 submitters: Likely benign (3). Last evaluated 2026-06-01.

Conditions:
Familial hemophagocytic lymphohistiocytosis 5. Also called: STXBP2-Related Familial Hemophagocytic Lymphohistiocytosis (STXBP2-fHLH). Identifiers: Orphanet 540, MedGen C2751293, MONDO:0013135, OMIM 613101.

Allele frequency attached by ClinVar (database versions not stated): gnomAD 0.00003; TOPMed 0.00006; ESP Exome Variant Server 0.00008; gnomAD exomes 0.00013 and 0.00014; ExAC 0.00020.
gnomAD v4.1: 191 of 1,613,718 alleles (0.012%); highest among the groups gnomAD compares: Non-Finnish European, 0.015%; no homozygotes.

Submissions (3):

CeGaT Center for Human Genetics Tuebingen
Classification: Likely benign. Last evaluated: 2026-06-01. Review status: criteria provided, single submitter. Criteria: CeGaT Center For Human Genetics Tuebingen Variant Classification Criteria Version 2. Collection method: clinical testing. Allele origin: germline. Affected: yes. Observed: 1 variant allele.
Comment: STXBP2: BP4, BP7

Labcorp Genetics (formerly Invitae), Labcorp
Classification: Likely benign for Familial hemophagocytic lymphohistiocytosis 5. Last evaluated: 2025-12-30. Review status: criteria provided, single submitter. Criteria: Invitae Variant Classification Sherloc (09022015). Collection method: clinical testing. Allele origin: germline.

Blueprint Genetics
Classification: Likely benign. Last evaluated: 2023-07-06. Review status: criteria provided, single submitter. Criteria: ACMG Guidelines, 2015. Collection method: clinical testing. Allele origin: germline.